The following is an entry in ClinVar:

ClinVar aggregate classification (germline): Benign. Review status: criteria provided, multiple submitters, no conflicts (2 of 4 stars). 2 submissions from 2 submitters: Benign (2). Last evaluated 2018-06-18.

Allele frequency attached by ClinVar (database versions not stated): gnomAD exomes 0.00310; gnomAD 0.03326 and 0.03579; 1000 Genomes Project 0.03534; 1000 Genomes Project 30x 0.03795; TOPMed 0.03806.
gnomAD v4.1: 9,353 of 1,474,858 alleles (0.63%); highest among the groups gnomAD compares: African/African-American, 11%; 493 homozygotes.

Submissions (2):

GeneDx
Classification: Benign. Last evaluated: 2018-06-18. Review status: criteria provided, single submitter. Criteria: GeneDx Variant Classification (06012015). Collection method: clinical testing. Allele origin: germline. Affected: yes.
Comment: This variant is considered likely benign or benign based on one or more of the following criteria: it is a conservative change, it occurs at a poorly conserved position in the protein, it is predicted to be benign by multiple in silico algorithms, and/or has population frequency not consistent with disease.

Breakthrough Genomics
Classification: Benign. Review status: criteria provided, single submitter. Criteria: ACMG Guidelines, 2015. Collection method: not provided. Allele origin: germline. Inheritance: Autosomal dominant inheritance. Affected: yes.

NM_002691.4(POLD1):c.970+100C>T

Gene: POLD1 (DNA polymerase delta 1, catalytic subunit; plus strand). Cytogenetic location: 19q13.33.
Variant type: single nucleotide variant.
Coding change: c.970+100C>T on transcript NM_002691.4 (MANE Select); 100 bases into the intron after coding-DNA position 970, C replaced by T.
Molecular consequence: intron variant.
Genome position (GRCh38, 1-based): chr19:50,402,841, C>T. VCF-style: chr19-50402841-C-T. GRCh37 (hg19) VCF-style: chr19-50906098-C-T.
Other names: c.970+100C>T (NM_001256849.1, NM_001308632.1).
Identifiers: ClinVar variation 676797 (VCV000676797.2), dbSNP rs1673045, ClinGen allele CA309601280.